The following is an entry in ClinVar:

ClinVar aggregate classification (germline): Pathogenic (1 of 4 stars; one submission).

Conditions:
Duchenne muscular dystrophy (DMD). Also called: Duchenne Muscular Dystrophy (DMD); MUSCULAR DYSTROPHY, PSEUDOHYPERTROPHIC PROGRESSIVE, DUCHENNE TYPE. Identifiers: Orphanet 98896, MedGen C0013264, MONDO:0010679, OMIM 310200.

Submission:

Labcorp Genetics (formerly Invitae), Labcorp
Classification: Pathogenic for Duchenne muscular dystrophy. Last evaluated: 2022-02-17. Review status: criteria provided, single submitter. Criteria: Invitae Variant Classification Sherloc (09022015). Collection method: clinical testing. Allele origin: germline.
Comment: For these reasons, this variant has been classified as Pathogenic. A similar copy number variant has been observed in individual(s) with Duchenne muscular dystrophy (PMID: 19937601, 33644936). This variant is a gross deletion of the genomic region encompassing exon(s) 44-49 of the DMD gene. This deletion is out-of-frame, and is expected to create a premature termination codon and result in an absent or disrupted protein product. Loss-of-function variants in DMD are known to be pathogenic (PMID: 16770791, 25007885).

Literature cited by the submitters: PubMed 19937601; PubMed 33644936; PubMed 16770791; PubMed 25007885.

NC_000023.10:g.(?_31854815)_(32235200_?)del

Gene: DMD (dystrophin; minus strand). Cytogenetic location: Xp21.1.
Variant type: Deletion.
Identifiers: ClinVar variation 2424914 (VCV002424914.5).